The following is an entry in ClinVar:

ClinVar aggregate classification (germline): Likely pathogenic (1 of 4 stars; one submission).

Conditions:
Cardiovascular phenotype. Identifiers: MedGen CN230736.

Submissions (2):

Ambry Genetics
Classification: Likely pathogenic for Cardiovascular phenotype. Last evaluated: 2022-04-01. Review status: criteria provided, single submitter. Criteria: Ambry Variant Classification Scheme 2023. Collection method: clinical testing. Allele origin: germline.
Comment: The c.2299+1G>T intronic variant results from a G to T substitution one nucleotide after coding exon 11 of the PKP2 gene. This variant is considered to be rare based on population cohorts in the Genome Aggregation Database (gnomAD). This nucleotide position is highly conserved in available vertebrate species. In silico splice site analysis predicts that this alteration will weaken the native splice donor site. Alterations that disrupt the canonical splice site are expected to cause aberrant splicing, resulting in an abnormal protein or a transcript that is subject to nonsense-mediated mRNA decay. As such, this alteration is classified as likely pathogenic.

Dr. Peter K. Rogan Lab, Western University
No classification provided (evidence only). Condition: Thyroid cancer, nonmedullary, 1. Review status: no classification provided. Collection method: in vitro. Allele origin: not applicable. Functional consequence: retained intron. Not counted in ClinVar's aggregate classification.

NM_001005242.3(PKP2):c.2167+1G>T

Gene: PKP2 (plakophilin 2; minus strand). Cytogenetic location: 12p11.21.
Variant type: single nucleotide variant.
Coding change: c.2167+1G>T on transcript NM_001005242.3 (MANE Select); the canonical splice donor site of the intron after coding-DNA position 2167, G replaced by T.
Molecular consequence: splice donor variant.
Genome position (GRCh38, 1-based): chr12:32,802,402, C>A on the plus strand (G>T on the coding strand, the complement: PKP2 is on the minus strand). VCF-style: chr12-32802402-C-A. GRCh37 (hg19) VCF-style: chr12-32955336-C-A.
Other names: NC_000012.11:g.32955336C>A; c.2002+1G>T (NM_001407156.1); c.2167+1G>T (NM_001407155.1); c.2299+1G>T (NM_004572.4); c.1840+1G>T (NM_001407160.1, NM_001407159.1, NM_001407158.1).
Identifiers: ClinVar variation 1789206 (VCV001789206.3), dbSNP rs794729116, ClinGen allele CA011862.
Genomic context (GRCh38, chr12:32,802,402, plus strand): 5'-ATTTCATTGCATTGTATCTTCAGCATGTACATATTACACATAGATACTTATACCGACTCA[C>A]CAATTTCATTCTGCAGAGAAAGATTCCGGGACAGATTCCTCAGCAGCGAGATGGCTGTCT-3'